The following is an entry in ClinVar:

NM_001162383.2(ARHGEF2):c.2889C>A (p.Asp963Glu)

Gene: ARHGEF2 (Rho/Rac guanine nucleotide exchange factor 2; minus strand). Cytogenetic location: 1q22.
Variant type: single nucleotide variant.
Coding change: c.2889C>A on transcript NM_001162383.2 (MANE Select); coding-DNA position 2889, C replaced by A.
Protein change: p.Asp963Glu; replaces aspartic acid 963 with glutamic acid.
Molecular consequence: missense variant.
Genome position (GRCh38, 1-based): chr1:155,948,014, G>T on the plus strand (C>A on the coding strand, the complement: ARHGEF2 is on the minus strand). VCF-style: chr1-155948014-G-T. GRCh37 (hg19) VCF-style: chr1-155917805-G-T.
Other names: c.2886C>A, p.Asp962Glu (NM_001162384.2); c.2838C>A, p.Asp946Glu (NM_001350110.2, NM_001350111.2); c.2865C>A, p.Asp955Glu (NM_001350112.2); c.2805C>A, p.Asp935Glu (NM_004723.4); short protein forms D946E, D955E, D962E, D963E, D935E.
Identifiers: ClinVar variation 2560907 (VCV002560907.4), dbSNP rs775775307, ClinGen allele CA1152865.

ClinVar aggregate classification (germline): Uncertain significance. Review status: criteria provided, multiple submitters, no conflicts (2 of 4 stars). 2 submissions from 2 submitters: Uncertain significance (2). Last evaluated 2026-01-05.

Conditions:
Neurodevelopmental disorder with midbrain and hindbrain malformations (NEDMHM). Identifiers: MedGen C4479613, MONDO:0056797, OMIM 617523.

Allele frequency attached by ClinVar (database versions not stated): gnomAD 0.00004; TOPMed 0.00004; ExAC 0.00006.
gnomAD v4.1: 68 of 1,551,168 alleles (0.0044%); highest among the groups gnomAD compares: Middle Eastern, 0.05%; no homozygotes.

Submissions (2):

Ozbek Human Genetics Laboratory, Izmir Biomedicine and Genome Center
Classification: Uncertain significance for Neurodevelopmental disorder with midbrain and hindbrain malformations. Last evaluated: 2026-01-05. Review status: criteria provided, single submitter. Criteria: ACMG Guidelines, 2015. Collection method: research. Allele origin: unknown. Affected: yes. Observed: 1 variant allele, 1 homozygote.
Comment: A homozygous c.2889C>A missense variant was detected in exon 22 of the ARHGEF2 gene (NM_001162383.2). This variant is very rarely observed in population databases and has not been observed in a homozygous state (PM2). Missense variants are frequently involved in the general mechanism of the disease, and pathogenic missense variants are observed more frequently than benign variants in this gene (PP2). Although located in an evolutionarily highly conserved region, in silico prediction algorithms yield scores close to benign (BP4). Based on this information, this variant is classified as a Variant of Uncertain Significance (VUS) according to ACMG criteria. The ARHGEF2 gene is associated with the "?Neurodevelopmental disorder with midbrain and hindbrain malformations" phenotype in the OMIM database. This syndrome has been defined in the literature in only one family from Turkey; therefore, it should be considered that OMIM phenotypes may be incomplete. Data obtained via the RAREBOOST project (Horizon 2020 ERA Chairs at Izmir Biomedicine and Genome Center - IBG)

Ambry Genetics
Classification: Uncertain significance. Last evaluated: 2025-08-23. Review status: criteria provided, single submitter. Criteria: Ambry Variant Classification Scheme 2023. Collection method: clinical testing. Allele origin: germline.